The following is an entry in ClinVar:

NM_001374259.2(IL12RB2):c.2350T>A (p.Cys784Ser)

Gene: IL12RB2 (interleukin 12 receptor subunit beta 2; plus strand). Cytogenetic location: 1p31.3.
Variant type: single nucleotide variant.
Coding change: c.2350T>A on transcript NM_001374259.2 (MANE Select); coding-DNA position 2350, T replaced by A.
Protein change: p.Cys784Ser; replaces cysteine 784 with serine.
Molecular consequence: missense variant. On other transcripts: 3 prime UTR variant (3), non-coding transcript variant (2).
Genome position (GRCh38, 1-based): chr1:67,395,850, T>A. VCF-style: chr1-67395850-T-A. GRCh37 (hg19) VCF-style: chr1-67861533-T-A.
Other names: c.*270T>A (NM_001258214.1, NM_001319233.1); c.2092T>A, p.Cys698Ser (NM_001258215.1); c.*251T>A (NM_001258216.1); c.2350T>A, p.Cys784Ser (NM_001559.3); short protein forms C698S, C784S.
Identifiers: ClinVar variation 3650962 (VCV003650962.2).

ClinVar aggregate classification (germline): Uncertain significance (1 of 4 stars; one submission).

Submission:

Labcorp Genetics (formerly Invitae), Labcorp
Classification: Uncertain significance. Last evaluated: 2024-08-01. Review status: criteria provided, single submitter. Criteria: Invitae Variant Classification Sherloc (09022015). Collection method: clinical testing. Allele origin: germline.
Comment: This sequence change replaces cysteine, which is neutral and slightly polar, with serine, which is neutral and polar, at codon 784 of the IL12RB2 protein (p.Cys784Ser). This variant is not present in population databases (gnomAD no frequency). This variant has not been reported in the literature in individuals affected with IL12RB2-related conditions. An algorithm developed to predict the effect of missense changes on protein structure and function outputs the following: PolyPhen-2: "Benign". The serine amino acid residue is found in multiple mammalian species, which suggests that this missense change does not adversely affect protein function. In summary, the available evidence is currently insufficient to determine the role of this variant in disease. Therefore, it has been classified as a Variant of Uncertain Significance.